The following is an entry in ClinVar:

ClinVar aggregate classification (germline): Uncertain significance (1 of 4 stars; one submission).

Conditions:
SIX5-related disorder. Also called: SIX5-related condition.

gnomAD v4.1: 11 of 1,612,714 alleles (0.00068%); highest among the groups gnomAD compares: Non-Finnish European, 0.00093%; no homozygotes.

Submission:

PreventionGenetics, part of Exact Sciences
Classification: Uncertain significance for SIX5-related condition. Last evaluated: 2025-07-08. Review status: criteria provided, single submitter. Criteria: ACMG Guidelines, 2015. Collection method: clinical testing. Allele origin: germline.
Comment: The SIX5 c.670C>A variant is predicted to result in the amino acid substitution p.Arg224Ser. To our knowledge, this variant has not been reported in the literature. This variant is reported in 0.00079% of alleles in individuals of European (Non-Finnish) descent in gnomAD. At this time, the clinical significance of this variant is uncertain due to the absence of conclusive functional and genetic evidence.

NM_175875.5(SIX5):c.670C>A (p.Arg224Ser)

Genes: DM1-AS (DM1 locus antisense RNA; plus strand), SIX5 (SIX homeobox 5; minus strand), LOC107075317 (origin of replication in DMPK trinucleotide repeat region; plus strand). Cytogenetic location: 19q13.32.
Variant type: single nucleotide variant.
Coding change: c.670C>A on transcript NM_175875.5 (MANE Select); coding-DNA position 670, C replaced by A.
Protein change: p.Arg224Ser; replaces arginine 224 with serine.
Molecular consequence: missense variant.
Genome position (GRCh38, 1-based): chr19:45,768,175, G>T on the plus strand (C>A on the coding strand, the complement: SIX5 is on the minus strand). VCF-style: chr19-45768175-G-T. GRCh37 (hg19) VCF-style: chr19-46271433-G-T.
Other names: short protein forms R224S.
Identifiers: ClinVar variation 4986554 (VCV004986554.1).
Genomic context (GRCh38, chr19:45,768,175, plus strand): 5'-GCGTGAGCGACAGGCCGGTGAGTGTGGCCAGGCGGCGCTTCTCGTCCGGCGTGGGGTAGC[G>T]GTTGCCGCGGTAGCAGGCCTTGAGCGCTGCGCGGGAGCGCTCCTTGAAGCAGTAGACTGT-3'
Protein context (NP_787071.3, residues 214-234): AALKACYRGN[Arg224Ser]YPTPDEKRRL